The following is an entry in ClinVar:

NM_001927.4(DES):c.473A>T (p.Glu158Val)

Gene: DES (desmin; plus strand). Cytogenetic location: 2q35.
Variant type: single nucleotide variant.
Coding change: c.473A>T on transcript NM_001927.4 (MANE Select); coding-DNA position 473, A replaced by T.
Protein change: p.Glu158Val; replaces glutamic acid 158 with valine.
Molecular consequence: missense variant.
Genome position (GRCh38, 1-based): chr2:219,418,935, A>T. VCF-style: chr2-219418935-A-T. GRCh37 (hg19) VCF-style: chr2-220283657-A-T.
Other names: c.473A>T (LRG_380t1); short protein forms E158V.
Identifiers: ClinVar variation 426334 (VCV000426334.5), dbSNP rs1085307571, ClinGen allele CA350686538.
Genomic context (GRCh38, chr2:219,418,935, plus strand): 5'-CCGAAGTGAACCGGCTCAAGGGCCGCGAGCCGACGCGAGTGGCCGAGCTCTACGAGGAGG[A>T]GCTGCGGGAGCTGCGGCGCCAGGTGGAGGTGCTCACTAACCAGCGCGCGCGCGTCGACGT-3'
Protein context (NP_001918.3, residues 148-168): PTRVAELYEE[Glu158Val]LRELRRQVEV

ClinVar aggregate classification (germline): Uncertain significance. Review status: criteria provided, multiple submitters, no conflicts (2 of 4 stars). 2 submissions from 2 submitters: Uncertain significance (2). Last evaluated 2025-07-25.

Conditions:
Desmin-related myofibrillar myopathy (MFM1). Also called: Desmin related myopathy (former name); Desmin storage myopathy (former name); MYOFIBRILLAR MYOPATHY WITH ARRHYTHMOGENIC RIGHT VENTRICULAR CARDIOMYOPATHY; DESMIN-RELATED MYOPATHY WITH ARRHYTHMOGENIC RIGHT VENTRICULAR CARDIOMYOPATHY; Myofibrillar myopathy 1; Desminopathy. Identifiers: Orphanet 363543, Orphanet 98909, MedGen C1832370, MONDO:0011076, OMIM 601419.

Submissions (2):

Labcorp Genetics (formerly Invitae), Labcorp
Classification: Uncertain significance for Desmin-related myofibrillar myopathy. Last evaluated: 2025-07-25. Review status: criteria provided, single submitter. Criteria: Invitae Variant Classification Sherloc (09022015). Collection method: clinical testing. Allele origin: germline.
Comment: This sequence change replaces glutamic acid, which is acidic and polar, with valine, which is neutral and non-polar, at codon 158 of the DES protein (p.Glu158Val). This variant is not present in population databases (gnomAD no frequency). This variant has not been reported in the literature in individuals affected with DES-related conditions. ClinVar contains an entry for this variant (Variation ID: 426334). Invitae Evidence Modeling of protein sequence and biophysical properties (such as structural, functional, and spatial information, amino acid conservation, physicochemical variation, residue mobility, and thermodynamic stability) has been performed for this missense variant. However, the output from this modeling did not meet the statistical confidence thresholds required to predict the impact of this variant on DES protein function. In summary, the available evidence is currently insufficient to determine the role of this variant in disease. Therefore, it has been classified as a Variant of Uncertain Significance.

GeneDx
Classification: Uncertain significance. Last evaluated: 2017-04-20. Review status: criteria provided, single submitter. Criteria: GeneDx Variant Classification (06012015). Collection method: clinical testing. Allele origin: germline. Affected: yes.
Comment: The E158V variant in the DES gene has not been reported previously as a pathogenic variant, nor as a benign variant, to our knowledge. The E158V variant is not observed in large population cohorts (Lek et al., 2016; 1000 Genomes Consortium et al., 2015; Exome Variant Server). The E158V variant is a non-conservative amino acid substitution, which is likely to impact secondary protein structure as these residues differ in polarity, charge, size and/or other properties. This substitution occurs at a position that is conserved across species, and in silico analysis predicts this variant is probably damaging to the protein structure/function. We interpret E158V as a variant of uncertain significance.